The following is an entry in ClinVar:

ClinVar aggregate classification (germline): Conflicting classifications of pathogenicity. Review status: criteria provided, conflicting classifications (1 of 4 stars). 3 submissions from 3 submitters: Uncertain significance (1); Likely benign (2). Last evaluated 2026-01-28.

Allele frequency attached by ClinVar (database versions not stated): gnomAD exomes below 0.00001; gnomAD 0.00005; TOPMed 0.00006.
gnomAD v4.1: 10 of 1,613,958 alleles (0.00062%); highest among the groups gnomAD compares: African/African-American, 0.012%; no homozygotes.

Submissions (3):

Labcorp Genetics (formerly Invitae), Labcorp
Classification: Likely benign. Last evaluated: 2026-01-28. Review status: criteria provided, single submitter. Criteria: Invitae Variant Classification Sherloc (09022015). Collection method: clinical testing. Allele origin: germline.

CeGaT Center for Human Genetics Tuebingen
Classification: Likely benign. Last evaluated: 2025-10-01. Review status: criteria provided, single submitter. Criteria: CeGaT Center For Human Genetics Tuebingen Variant Classification Criteria Version 2. Collection method: clinical testing. Allele origin: germline. Affected: yes. Observed: 1 variant allele.
Comment: KLHL7: BP4, BP7

Eurofins Ntd Llc (ga)
Classification: Uncertain significance. Last evaluated: 2016-05-23. Review status: criteria provided, single submitter. Criteria: EGL Classification Definitions 2015. Collection method: clinical testing. Allele origin: germline. Observed: 1 variant allele, 1 heterozygote.

NM_001031710.3(KLHL7):c.1533C>T (p.Val511=)

Gene: KLHL7 (kelch like family member 7; plus strand). Cytogenetic location: 7p15.3.
Variant type: single nucleotide variant.
Coding change: c.1533C>T on transcript NM_001031710.3 (MANE Select); coding-DNA position 1533, C replaced by T.
Protein change: p.Val511=; no amino-acid change (valine 511 retained).
Molecular consequence: synonymous variant. On other transcripts: non-coding transcript variant (1).
Genome position (GRCh38, 1-based): chr7:23,174,070, C>T. VCF-style: chr7-23174070-C-T. GRCh37 (hg19) VCF-style: chr7-23213689-C-T.
Other names: c.1389C>T, p.Val463= (NM_018846.5).
Identifiers: ClinVar variation 287575 (VCV000287575.20), dbSNP rs886043663, ClinGen allele CA10605798.
Genomic context (GRCh38, chr7:23,174,070, plus strand): 5'-TGAAGGTGGTCTGGACAATGTGGAATATTACGATATTAAGTTGAACGAATGGAAGATGGT[C>T]TCACCAATGCCATGGAAGGGTGTAACAGTGAAATGTGCAGCAGTTGGCTCTATAGTTTAT-3'
Protein context (NP_001026880.2, residues 501-521): YDIKLNEWKM[Val511=]SPMPWKGVTV